The following is an entry in ClinVar:

ClinVar aggregate classification (germline): Uncertain significance. Review status: criteria provided, multiple submitters, no conflicts (2 of 4 stars). 2 submissions from 2 submitters: Uncertain significance (2). Last evaluated 2026-02-02.

Conditions:
Inborn genetic diseases. Identifiers: MedGen C0950123, MeSH D030342.
Pulmonary fibrosis and/or bone marrow failure, Telomere-related, 3. Also called: PULMONARY FIBROSIS AND/OR BONE MARROW FAILURE SYNDROME, TELOMERE-RELATED, 3. Identifiers: Orphanet 2032, MedGen C4225346, MONDO:0014613, OMIM 616373.
Dyskeratosis congenita, autosomal recessive 5 (DKCB5). Identifiers: MedGen C3554656, MONDO:0014076, OMIM 615190.

Allele frequency attached by ClinVar (database versions not stated): TOPMed below 0.00001; gnomAD exomes 0.00001.
gnomAD v4.1: 8 of 1,612,368 alleles (0.0005%); highest among the groups gnomAD compares: Non-Finnish European, 0.00068%; no homozygotes.

Submissions (2):

Labcorp Genetics (formerly Invitae), Labcorp
Classification: Uncertain significance for Dyskeratosis congenita, autosomal recessive 5; Pulmonary fibrosis and/or bone marrow failure, Telomere-related, 3. Last evaluated: 2026-02-02. Review status: criteria provided, single submitter. Criteria: Invitae Variant Classification Sherloc (09022015). Collection method: clinical testing. Allele origin: germline.
Comment: This sequence change replaces serine, which is neutral and polar, with leucine, which is neutral and non-polar, at codon 1239 of the RTEL1 protein (p.Ser1239Leu). This variant is not present in population databases (gnomAD no frequency). This variant has not been reported in the literature in individuals affected with RTEL1-related conditions. ClinVar contains an entry for this variant (Variation ID: 2924177). An algorithm developed to predict the effect of missense changes on protein structure and function (PolyPhen-2) suggests that this variant is likely to be tolerated. In summary, the available evidence is currently insufficient to determine the role of this variant in disease. Therefore, it has been classified as a Variant of Uncertain Significance.

Ambry Genetics
Classification: Uncertain significance for Inborn genetic diseases. Last evaluated: 2025-05-24. Review status: criteria provided, single submitter. Criteria: Ambry Variant Classification Scheme 2023. Collection method: clinical testing. Allele origin: germline.
Comment: The p.S1239L variant (also known as c.3716C>T), located in coding exon 33 of the RTEL1 gene, results from a C to T substitution at nucleotide position 3716. The serine at codon 1239 is replaced by leucine, an amino acid with dissimilar properties. This amino acid position is conserved. In addition, this alteration is predicted to be tolerated by in silico analysis. Based on the available evidence, the clinical significance of this variant remains unclear.

NM_001283009.2(RTEL1):c.3716C>T (p.Ser1239Leu)

Genes: RTEL1 (regulator of telomere elongation helicase 1; plus strand), RTEL1-TNFRSF6B (RTEL1-TNFRSF6B readthrough (NMD candidate); plus strand). Cytogenetic location: 20q13.33.
Variant type: single nucleotide variant.
Coding change: c.3716C>T on transcript NM_001283009.2 (MANE Select); coding-DNA position 3716, C replaced by T.
Protein change: p.Ser1239Leu; replaces serine 1239 with leucine.
Molecular consequence: missense variant. On other transcripts: non-coding transcript variant (1), intron variant (3).
Genome position (GRCh38, 1-based): chr20:63,695,544, C>T. VCF-style: chr20-63695544-C-T. GRCh37 (hg19) VCF-style: chr20-62326897-C-T.
Other names: c.2983+64C>T (NM_001283010.1); c.3724+64C>T (NM_032957.5); c.3652+64C>T (NM_016434.4); short protein forms S1239L.
Identifiers: ClinVar variation 2924177 (VCV002924177.4), dbSNP rs2090957928, ClinGen allele CA409686563.